The following is an entry in ClinVar:

ClinVar aggregate classification (germline): Uncertain significance (1 of 4 stars; one submission).

Conditions:
Inborn genetic diseases. Identifiers: MedGen C0950123, MeSH D030342.

Submission:

Ambry Genetics
Classification: Uncertain significance for Inborn genetic diseases. Last evaluated: 2025-11-23. Review status: criteria provided, single submitter. Criteria: Ambry Variant Classification Scheme 2023. Collection method: clinical testing. Allele origin: germline.
Comment: The p.P1464S variant (also known as c.4390C>T), located in coding exon 13 of the ASXL1 gene, results from a C to T substitution at nucleotide position 4390. The proline at codon 1464 is replaced by serine, an amino acid with similar properties. This amino acid position is conserved. In addition, this alteration is predicted to be tolerated by in silico analysis. Based on the available evidence, the clinical significance of this variant remains unclear.

NM_015338.6(ASXL1):c.4390C>T (p.Pro1464Ser)

Gene: ASXL1 (ASXL transcriptional regulator 1; plus strand). Cytogenetic location: 20q11.21.
Variant type: single nucleotide variant.
Coding change: c.4390C>T on transcript NM_015338.6 (MANE Select); coding-DNA position 4390, C replaced by T.
Protein change: p.Pro1464Ser; replaces proline 1464 with serine.
Molecular consequence: missense variant.
Genome position (GRCh38, 1-based): chr20:32,437,102, C>T. VCF-style: chr20-32437102-C-T. GRCh37 (hg19) VCF-style: chr20-31024905-C-T.
Other names: c.4207C>T, p.Pro1403Ser (NM_001363734.1); short protein forms P1403S, P1464S.
Identifiers: ClinVar variation 4588695 (VCV004588695.1).